The following is an entry in ClinVar:

ClinVar aggregate classification (germline): Uncertain significance (1 of 4 stars; one submission).

gnomAD v4.1: 1 of 1,596,178 alleles (0.000063%); highest among the groups gnomAD compares: Non-Finnish European, 0.000085%; no homozygotes.

Submission:

Greenwood Genetic Center Diagnostic Laboratories, Greenwood Genetic Center
Classification: Uncertain significance. Last evaluated: 2026-06-12. Review status: criteria provided, single submitter. Criteria: ACMG Guidelines, 2015. Collection method: clinical testing. Allele origin: germline.
Comment: PM2, PP3

NM_001009999.3(KDM1A):c.711+5G>C

Gene: KDM1A (lysine demethylase 1A; plus strand). Cytogenetic location: 1p36.12.
Variant type: single nucleotide variant.
Coding change: c.711+5G>C on transcript NM_001009999.3 (MANE Select); 5 bases into the intron after coding-DNA position 711, G replaced by C.
Molecular consequence: intron variant.
Genome position (GRCh38, 1-based): chr1:23,050,525, G>C. VCF-style: chr1-23050525-G-C. GRCh37 (hg19) VCF-style: chr1-23377018-G-C.
Other names: c.711+5G>C (NM_001410762.1); c.651+5G>C (NM_001363654.2, NM_001410763.1, NM_015013.4).
Identifiers: ClinVar variation 4891147 (VCV004891147.1).